The following is an entry in ClinVar:

NM_000925.4(PDHB):c.303+1G>C

Gene: PDHB (pyruvate dehydrogenase E1 subunit beta; minus strand). Cytogenetic location: 3p14.3.
Variant type: single nucleotide variant.
Coding change: c.303+1G>C on transcript NM_000925.4 (MANE Select); the canonical splice donor site of the intron after coding-DNA position 303, G replaced by C.
Molecular consequence: splice donor variant.
Genome position (GRCh38, 1-based): chr3:58,431,592, C>G on the plus strand (G>C on the coding strand, the complement: PDHB is on the minus strand). VCF-style: chr3-58431592-C-G. GRCh37 (hg19) VCF-style: chr3-58417319-C-G.
Other names: c.249+1G>C (NM_001315536.2); c.303+1G>C (NM_001173468.2).
Identifiers: ClinVar variation 2781103 (VCV002781103.3), dbSNP rs1274606876, ClinGen allele CA353362873.
Genomic context (GRCh38, chr3:58,431,592, plus strand): 5'-AAAGAAAAAAAAAGAAAACAAGAAATGTCTTTGGATAAGTTTCATAAAGAGTATTACATA[C>G]CATAGCTGCACCTACAGCAATTCCAGCAAAGCCCATCTATAAAGTAAAATATAAACATAA-3'

ClinVar aggregate classification (germline): Likely pathogenic (1 of 4 stars; one submission).

Conditions:
Pyruvate dehydrogenase E1-beta deficiency (PDHBD). Identifiers: Orphanet 255138, Orphanet 765, MedGen C3279841, MONDO:0013580, OMIM 614111.

gnomAD v4.1: 1 of 1,598,852 alleles (0.000063%); highest among the groups gnomAD compares: Middle Eastern, 0.022%; no homozygotes.

Submission:

Labcorp Genetics (formerly Invitae), Labcorp
Classification: Likely pathogenic for Pyruvate dehydrogenase E1-beta deficiency. Last evaluated: 2024-01-11. Review status: criteria provided, single submitter. Criteria: Invitae Variant Classification Sherloc (09022015). Collection method: clinical testing. Allele origin: germline.
Comment: This sequence change affects a donor splice site in intron 5 of the PDHB gene. It is expected to disrupt RNA splicing. Variants that disrupt the donor or acceptor splice site typically lead to a loss of protein function (PMID: 16199547), and loss-of-function variants in PDHB are known to be pathogenic (PMID: 21914562, 25356417). This variant is not present in population databases (gnomAD no frequency). This variant has not been reported in the literature in individuals affected with PDHB-related conditions. Algorithms developed to predict the effect of sequence changes on RNA splicing suggest that this variant may disrupt the consensus splice site. In summary, the currently available evidence indicates that the variant is pathogenic, but additional data are needed to prove that conclusively. Therefore, this variant has been classified as Likely Pathogenic.

Literature cited by the submitters: PubMed 16199547; PubMed 21914562; PubMed 25356417.